The following is an entry in ClinVar:

ClinVar aggregate classification (germline): Uncertain significance (1 of 4 stars; one submission).

Conditions:
MAST3-related disorder.

Submission:

PreventionGenetics, part of Exact Sciences
Classification: Uncertain significance for MAST3-related condition. Last evaluated: 2026-01-30. Review status: criteria provided, single submitter. Criteria: ACMG Guidelines, 2015. Collection method: clinical testing. Allele origin: germline.
Comment: The MAST3 c.2625delG variant is predicted to result in a frameshift and premature protein termination (p.Lys876Serfs*42). To our knowledge, this variant has not been reported in the literature or in a large population database (gnomAD), indicating this variant is rare. Loss-of-function is not established mechanism for this gene. At this time, the clinical significance of this variant is uncertain due to the absence of conclusive functional and genetic evidence.

NM_001393504.1(MAST3):c.2712del (p.Lys905fs)

Gene: MAST3 (microtubule associated serine/threonine kinase 3; plus strand). Cytogenetic location: 19p13.11.
Variant type: Deletion.
Coding change: c.2712del on transcript NM_001393504.1 (MANE Select); coding-DNA position 2712, one base deleted (G; older notation c.2712delG).
Protein change: p.Lys905fs; shifts the reading frame from lysine 905.
Molecular consequence: frameshift variant.
Genome position (GRCh38, 1-based): chr19:18,144,593, G deleted. VCF-style (leftmost placement, unchanged base first): chr19-18144592-AG-A. GRCh37 (hg19) VCF-style: chr19-18255402-AG-A.
Other names: c.2736del, p.Lys913fs (NM_001393501.1); c.2715del, p.Lys906fs (NM_001393502.1); c.2712del, p.Lys905fs (NM_001393503.1); c.2709del, p.Lys904fs (NM_001393505.1); c.2664del, p.Lys889fs (NM_001393506.1, NM_001393513.1); c.2691del, p.Lys898fs (NM_001393507.1); c.2646del, p.Lys883fs (NM_001393508.1, NM_001393516.1); c.2643del, p.Lys882fs (NM_001393509.1, NM_001393510.1, NM_001393512.1 and 2 more transcripts); and 4 more; short protein forms K867fs, K889fs, K881fs, K906fs, K913fs, K875fs, K882fs, K898fs.
Identifiers: ClinVar variation 4994520 (VCV004994520.1).